The following is an entry in ClinVar:

ClinVar aggregate classification (germline): Uncertain significance (1 of 4 stars; one submission).

Submission:

Labcorp Genetics (formerly Invitae), Labcorp
Classification: Uncertain significance. Last evaluated: 2025-08-04. Review status: criteria provided, single submitter. Criteria: Invitae Variant Classification Sherloc (09022015). Collection method: clinical testing. Allele origin: germline.
Comment: This sequence change replaces threonine, which is neutral and polar, with serine, which is neutral and polar, at codon 52 of the SPECC1L protein (p.Thr52Ser). This variant is not present in population databases (gnomAD no frequency). This variant has not been reported in the literature in individuals affected with SPECC1L-related conditions. ClinVar contains an entry for this variant (Variation ID: 2871689). An algorithm developed to predict the effect of missense changes on protein structure and function (PolyPhen-2) suggests that this variant is likely to be tolerated. In summary, the available evidence is currently insufficient to determine the role of this variant in disease. Therefore, it has been classified as a Variant of Uncertain Significance.

NM_015330.6(SPECC1L):c.155C>G (p.Thr52Ser)

Genes: SPECC1L (sperm antigen with calponin homology and coiled-coil domains 1 like; plus strand), SPECC1L-ADORA2A (SPECC1L-ADORA2A readthrough (NMD candidate); plus strand). Cytogenetic location: 22q11.23.
Variant type: single nucleotide variant.
Coding change: c.155C>G on transcript NM_015330.6 (MANE Select); coding-DNA position 155, C replaced by G.
Protein change: p.Thr52Ser; replaces threonine 52 with serine.
Molecular consequence: missense variant. On other transcripts: non-coding transcript variant (1).
Genome position (GRCh38, 1-based): chr22:24,313,314, C>G. VCF-style: chr22-24313314-C-G. GRCh37 (hg19) VCF-style: chr22-24709282-C-G.
Other names: c.155C>G, p.Thr52Ser (NM_001145468.4, NM_001254732.3); short protein forms T52S.
Identifiers: ClinVar variation 2871689 (VCV002871689.3), dbSNP rs1420729984, ClinGen allele CA410960585.
Genomic context (GRCh38, chr22:24,313,314, plus strand): 5'-TCAAAATATCTAATCTTGCTTGATCTAGTAAATTTGTTTTTATTTTCTGTTGCTTCTAGA[C>G]CAAGAGCAGTGATGACCTTTTAGCTGGAATGGCCGGAGGGGTAACGGTGACTAATGGTGT-3'
Protein context (NP_056145.5, residues 42-62): KPGTAASLSK[Thr52Ser]KSSDDLLAGM